The following is an entry in ClinVar:

NM_001378454.1(ALMS1):c.11893G>T (p.Val3965Leu)

Genes: ALMS1 (ALMS1 centrosome and basal body associated protein; plus strand), LOC126806252 (BRD4-independent group 4 enhancer GRCh37_chr2:73828496-73829695; plus strand). Cytogenetic location: 2p13.1.
Variant type: single nucleotide variant.
Coding change: c.11893G>T on transcript NM_001378454.1 (MANE Select); coding-DNA position 11893, G replaced by T.
Protein change: p.Val3965Leu; replaces valine 3965 with leucine.
Molecular consequence: missense variant.
Genome position (GRCh38, 1-based): chr2:73,601,215, G>T. VCF-style: chr2-73601215-G-T. GRCh37 (hg19) VCF-style: chr2-73828342-G-T.
Other names: c.11896G>T, p.Val3966Leu (NM_015120.4); short protein forms V3966L, V3965L.
Identifiers: ClinVar variation 549920 (VCV000549920.16), dbSNP rs199683521, ClinGen allele CA1715372.

ClinVar aggregate classification (germline): Uncertain significance. Review status: criteria provided, multiple submitters, no conflicts (2 of 4 stars). 5 submissions from 5 submitters: Uncertain significance (3). 2 of the submissions do not count toward it. Last evaluated 2025-09-10.

Conditions:
Cardiovascular phenotype. Identifiers: MedGen CN230736.
Alstrom syndrome (ALMS). Identifiers: Orphanet 64, MedGen C0268425, MONDO:0008763, OMIM 203800.

Allele frequency attached by ClinVar (database versions not stated): ExAC 0.00002; gnomAD exomes 0.00002 and 0.00003; TOPMed 0.00003; gnomAD 0.00004.

Submissions (5):

Ambry Genetics
Classification: Uncertain significance for Cardiovascular phenotype. Last evaluated: 2025-09-10. Review status: criteria provided, single submitter. Criteria: Ambry Variant Classification Scheme 2023. Collection method: clinical testing. Allele origin: germline.
Comment: The p.V3966L variant (also known as c.11896G>T), located in coding exon 19 of the ALMS1 gene, results from a G to T substitution at nucleotide position 11896. The valine at codon 3966 is replaced by leucine, an amino acid with highly similar properties. This amino acid position is well conserved in available vertebrate species. In addition, the in silico prediction for this alteration is inconclusive. Since supporting evidence is limited at this time, the clinical significance of this alteration remains unclear.

Women's Health and Genetics/Laboratory Corporation of America, LabCorp
Classification: Uncertain significance. Last evaluated: 2023-08-26. Review status: criteria provided, single submitter. Criteria: LabCorp Variant Classification Summary - May 2015. Collection method: clinical testing. Allele origin: germline.

Labcorp Genetics (formerly Invitae), Labcorp
Classification: Uncertain significance for Alstrom syndrome. Last evaluated: 2022-08-19. Review status: criteria provided, single submitter. Criteria: Invitae Variant Classification Sherloc (09022015). Collection method: clinical testing. Allele origin: germline.
Comment: This sequence change replaces valine, which is neutral and non-polar, with leucine, which is neutral and non-polar, at codon 3966 of the ALMS1 protein (p.Val3966Leu). This variant is present in population databases (rs199683521, gnomAD 0.01%). This variant has not been reported in the literature in individuals affected with ALMS1-related conditions. ClinVar contains an entry for this variant (Variation ID: 549920). In summary, the available evidence is currently insufficient to determine the role of this variant in disease. Therefore, it has been classified as a Variant of Uncertain Significance.

Natera, Inc.
Classification: Uncertain significance for Alstrom syndrome. Last evaluated: 2021-04-19. Review status: no assertion criteria provided. Collection method: clinical testing. Allele origin: germline. Not counted in ClinVar's aggregate classification.

Counsyl
Classification: Uncertain significance for Alstrom syndrome. Last evaluated: 2017-01-16. Review status: no assertion criteria provided. Collection method: clinical testing. Allele origin: unknown. Not counted in ClinVar's aggregate classification.